The following is an entry in ClinVar:

ClinVar aggregate classification (germline): Pathogenic (1 of 4 stars; one submission).

Conditions:
Arrhythmogenic cardiomyopathy with wooly hair and keratoderma. Also called: PALMOPLANTAR KERATODERMA WITH LEFT VENTRICULAR CARDIOMYOPATHY AND WOOLLY HAIR; Carvajal syndrome; Dilated cardiomyopathy with woolly hair and keratoderma; Arrhythmogenic cardiomyopathy with woolly hair and keratoderma. Identifiers: Orphanet 65282, MedGen C1854063, MONDO:0011581, OMIM 605676.
Arrhythmogenic right ventricular dysplasia 8 (ARVD8). Also called: Arrhythmogenic Right Ventricular Dysplasia/Cardiomyopathy 8; ARRHYTHMOGENIC RIGHT VENTRICULAR DYSPLASIA, FAMILIAL, 8; ARRHYTHMOGENIC RIGHT VENTRICULAR CARDIOMYOPATHY 8. Identifiers: MedGen C1843896, MONDO:0011831, OMIM 607450.

Submission:

Labcorp Genetics (formerly Invitae), Labcorp
Classification: Pathogenic for Arrhythmogenic cardiomyopathy with wooly hair and keratoderma; Arrhythmogenic right ventricular dysplasia 8. Last evaluated: 2024-11-04. Review status: criteria provided, single submitter. Criteria: Invitae Variant Classification Sherloc (09022015). Collection method: clinical testing. Allele origin: germline.
Comment: This sequence change creates a premature translational stop signal (p.Asn1712Thrfs*2) in the DSP gene. It is expected to result in an absent or disrupted protein product. Loss-of-function variants in DSP are known to be pathogenic (PMID: 20716751, 24503780, 25227139). This variant is not present in population databases (gnomAD no frequency). This variant has not been reported in the literature in individuals affected with DSP-related conditions. For these reasons, this variant has been classified as Pathogenic.

Literature cited by the submitters: PubMed 20716751; PubMed 24503780; PubMed 25227139.

NM_004415.4(DSP):c.5135del (p.Asn1712fs)

Gene: DSP (desmoplakin; plus strand). Cytogenetic location: 6p24.3.
Variant type: Deletion.
Coding change: c.5135del on transcript NM_004415.4 (MANE Select); coding-DNA position 5135, one base deleted (A; older notation c.5135delA).
Protein change: p.Asn1712fs; shifts the reading frame from asparagine 1712.
Molecular consequence: frameshift variant. On other transcripts: intron variant (2).
Genome position (GRCh38, 1-based): chr6:7,581,325, A deleted; the last of 2 consecutive A bases (chr6:7,581,324-7,581,325); deleting either gives the same sequence. VCF-style (leftmost placement, unchanged base first): chr6-7581323-GA-G. GRCh37 (hg19) VCF-style: chr6-7581556-GA-G.
Other names: c.4050+1085del (NM_001319034.2); c.3583-1317del (NM_001008844.3); short protein forms N1712fs.
Identifiers: ClinVar variation 3759699 (VCV003759699.2).